The following is an entry in ClinVar:

ClinVar aggregate classification (germline): Benign. Review status: criteria provided, multiple submitters, no conflicts (2 of 4 stars). 3 submissions from 3 submitters: Benign (2). 1 of the submissions does not count toward it. Last evaluated 2022-04-26.

Conditions:
CITED2-related disorder. Also called: CITED2-related condition.

Allele frequency attached by ClinVar (database versions not stated): TOPMed 0.17120; 1000 Genomes Project 0.12480; 1000 Genomes Project 30x 0.12680; ESP Exome Variant Server 0.17730.

Submissions (3):

Mayo Clinic Laboratories, Mayo Clinic
Classification: Benign. Last evaluated: 2022-04-26. Review status: criteria provided, single submitter. Criteria: ACMG Guidelines, 2015. Collection method: clinical testing. Allele origin: germline. Observed: 14 variant alleles.

GeneDx
Classification: Benign. Last evaluated: 2018-11-10. Review status: criteria provided, single submitter. Criteria: GeneDx Variant Classification Process June 2021. Collection method: clinical testing. Allele origin: germline. Affected: yes.

PreventionGenetics, part of Exact Sciences
Classification: Benign for CITED2-related condition. Last evaluated: 2019-08-06. Review status: no assertion criteria provided. Collection method: clinical testing. Allele origin: germline. Not counted in ClinVar's aggregate classification.
Comment: This variant is classified as benign based on ACMG/AMP sequence variant interpretation guidelines (Richards et al. 2015 PMID: 25741868, with internal and published modifications).

NM_006079.5(CITED2):c.21C>A (p.Ala7=)

Gene: CITED2 (Cbp/p300 interacting transactivator with Glu/Asp rich carboxy-terminal domain 2; minus strand). Cytogenetic location: 6q24.1.
Variant type: single nucleotide variant.
Coding change: c.21C>A on transcript NM_006079.5 (MANE Select); coding-DNA position 21, C replaced by A.
Protein change: p.Ala7=; no amino-acid change (alanine 7 retained).
Molecular consequence: synonymous variant.
Genome position (GRCh38, 1-based): chr6:139,373,924, G>T on the plus strand (C>A on the coding strand, the complement: CITED2 is on the minus strand). VCF-style: chr6-139373924-G-T. GRCh37 (hg19) VCF-style: chr6-139695061-G-T.
Other names: p.Ala7=; c.21C>A, p.Ala7= (NM_001168388.3); c.36C>A, p.Ala12= (NM_001168389.3); c.36C>A (NM_001168389.2).
Identifiers: ClinVar variation 1231089 (VCV001231089.6), dbSNP rs1131400, ClinGen allele CA4025738.
Genomic context (GRCh38, chr6:139,373,924, plus strand): 5'-GCGGTGGGCAGGGTGATGGTGCAGCCCATTGGTGCCGTCGGGGAAGCGCCCGTGGTTCAT[G>T]GCCATCATATGGTCTGCCATTTCCAGTCCTGGAAGTGAAAAGGGCAGATAATGAGACCCG-3'
Protein context (NP_006070.2, residues 1-17): MADHMM[Ala7=]MNHGRFPDGT